The following is an entry in ClinVar:

ClinVar aggregate classification (germline): Benign. Review status: criteria provided, multiple submitters, no conflicts (2 of 4 stars). 3 submissions from 3 submitters: Benign (3). Last evaluated 2018-11-12.

Conditions:
Pyruvate kinase deficiency of red cells (CNSHA2). Also called: PK DEFICIENCY; PYRUVATE KINASE DEFICIENCY OF ERYTHROCYTE; Pyruvate kinase deficiency, Amish type. Identifiers: Orphanet 766, MedGen C0340968, MONDO:0009950, OMIM 266200.

Allele frequency attached by ClinVar (database versions not stated): gnomAD exomes 0.29950; gnomAD 0.35051 and 0.35345; TOPMed 0.36420; 1000 Genomes Project 30x 0.43598; 1000 Genomes Project 0.43830.
gnomAD v4.1: 162,792 of 517,590 alleles (31%); highest among the groups gnomAD compares: East Asian, 71%; 30,088 homozygotes.

Submissions (3):

GeneDx
Classification: Benign. Last evaluated: 2018-11-12. Review status: criteria provided, single submitter. Criteria: GeneDx Variant Classification Process June 2021. Collection method: clinical testing. Allele origin: germline. Affected: yes.

Illumina Laboratory Services, Illumina
Classification: Benign for Pyruvate kinase deficiency of red cells. Last evaluated: 2018-01-12. Review status: criteria provided, single submitter. Criteria: ICSL Variant Classification Criteria 13 December 2019. Collection method: clinical testing. Allele origin: germline.
Comment: This variant was observed in the ICSL laboratory as part of a predisposition screen in an ostensibly healthy population. It had not been previously curated by ICSL or reported in the Human Gene Mutation Database (HGMD: prior to June 1st, 2018), and was therefore a candidate for classification through an automated scoring system. Utilizing variant allele frequency, disease prevalence and penetrance estimates, and inheritance mode, an automated score was calculated to assess if this variant is too frequent to cause the disease. Based on the score and internal cut-off values, a variant classified as benign is not then subjected to further curation. The score for this variant resulted in a classification of benign for this disease.

Breakthrough Genomics
Classification: Benign. Review status: criteria provided, single submitter. Criteria: ACMG Guidelines, 2015. Collection method: not provided. Allele origin: germline. Inheritance: Autosomal recessive inheritance. Affected: yes.

NM_000298.6(PKLR):c.*267C>T

Gene: PKLR (pyruvate kinase L/R; minus strand). Cytogenetic location: 1q22.
Variant type: single nucleotide variant.
Coding change: c.*267C>T on transcript NM_000298.6 (MANE Select); 267 bases downstream of the stop codon, C replaced by T.
Molecular consequence: 3 prime UTR variant.
Genome position (GRCh38, 1-based): chr1:155,290,305, G>A on the plus strand (C>T on the coding strand, the complement: PKLR is on the minus strand). VCF-style: chr1-155290305-G-A. GRCh37 (hg19) VCF-style: chr1-155260096-G-A.
Other names: c.*267C>T (LRG_1136t1, NM_181871.4).
Identifiers: ClinVar variation 292802 (VCV000292802.7), dbSNP rs932972, ClinGen allele CA10608322.